The following is an entry in ClinVar:

NM_001920.5(DCN):c.944C>A (p.Pro315His)

Gene: DCN (decorin; minus strand). Cytogenetic location: 12q21.33.
Variant type: single nucleotide variant.
Coding change: c.944C>A on transcript NM_001920.5 (MANE Select); coding-DNA position 944, C replaced by A.
Protein change: p.Pro315His; replaces proline 315 with histidine.
Molecular consequence: missense variant. On other transcripts: 3 prime UTR variant (1).
Genome position (GRCh38, 1-based): chr12:91,146,194, G>T on the plus strand (C>A on the coding strand, the complement: DCN is on the minus strand). VCF-style: chr12-91146194-G-T. GRCh37 (hg19) VCF-style: chr12-91539971-G-T.
Other names: c.944C>A, p.Pro315His (NM_133503.4); c.617C>A, p.Pro206His (NM_133504.3); c.503C>A, p.Pro168His (NM_133505.3); c.383C>A, p.Pro128His (NM_133506.3); c.*42C>A (NM_133507.3); short protein forms P315H, P128H, P168H, P206H.
Identifiers: ClinVar variation 310653 (VCV000310653.5), dbSNP rs777270608, ClinGen allele CA6716898.
Genomic context (GRCh38, chr12:91,146,194, plus strand): 5'-TGGACCGGGTTGCTGAAAAGACTCACACCCGAATAAGAAGCCTTTTTGGTGTTGTGTCCA[G>T]GTGGGCAGAAGTCACTTGATCCAACTACAGAGATATTGTTGTTATGAAGGTAGACAACCT-3'
Protein context (NP_001911.1, residues 305-325): SVVGSSDFCP[Pro315His]GHNTKKASYS

ClinVar aggregate classification (germline): Likely benign (1 of 4 stars; one submission).

Conditions:
Congenital stromal corneal dystrophy (CSCD). Identifiers: Orphanet 101068, MedGen C1864738, MONDO:0012401, OMIM 610048.

Allele frequency attached by ClinVar (database versions not stated): TOPMed 0.00001; ExAC 0.00002; gnomAD exomes 0.00002; gnomAD 0.00003 and 0.00004.
gnomAD v4.1: 32 of 1,613,402 alleles (0.002%); highest among the groups gnomAD compares: Non-Finnish European, 0.0025%; no homozygotes.

Submission:

Illumina Laboratory Services, Illumina
Classification: Likely benign for Congenital stromal corneal dystrophy. Last evaluated: 2018-01-13. Review status: criteria provided, single submitter. Criteria: ICSL Variant Classification Criteria 13 December 2019. Collection method: clinical testing. Allele origin: germline.
Comment: This variant was observed in the ICSL laboratory as part of a predisposition screen in an ostensibly healthy population. It had not been previously curated by ICSL or reported in the Human Gene Mutation Database (HGMD: prior to June 1st, 2018), and was therefore a candidate for classification through an automated scoring system. Utilizing variant allele frequency, disease prevalence and penetrance estimates, and inheritance mode, an automated score was calculated to assess if this variant is too frequent to cause the disease. Based on the score and internal cut-off values, a variant classified as likely benign is not then subjected to further curation. The score for this variant resulted in a classification of likely benign for this disease.